The following is an entry in ClinVar:

ClinVar aggregate classification (germline): Uncertain significance (1 of 4 stars; one submission).

Conditions:
Familial cold autoinflammatory syndrome 3 (FCAS3). Also called: ANTIBODY DEFICIENCY AND IMMUNE DYSREGULATION, PLCG2-ASSOCIATED; FAMILIAL ATYPICAL COLD URTICARIA. Identifiers: Orphanet 300359, MedGen C3280914, MONDO:0013766, OMIM 614468.

Allele frequency attached by ClinVar (database versions not stated): TOPMed 0.00006; gnomAD 0.00003.
gnomAD v4.1: 92 of 1,613,880 alleles (0.0057%); highest among the groups gnomAD compares: Non-Finnish European, 0.0069%; no homozygotes.

Submission:

Labcorp Genetics (formerly Invitae), Labcorp
Classification: Uncertain significance for Familial cold autoinflammatory syndrome 3. Last evaluated: 2025-05-19. Review status: criteria provided, single submitter. Criteria: Invitae Variant Classification Sherloc (09022015). Collection method: clinical testing. Allele origin: germline.
Comment: This sequence change replaces valine, which is neutral and non-polar, with methionine, which is neutral and non-polar, at codon 735 of the PLCG2 protein (p.Val735Met). This variant is present in population databases (no rsID available, gnomAD 0.008%). This missense change has been observed in individual(s) with PLCG2-related conditions (PMID: 37769878). ClinVar contains an entry for this variant (Variation ID: 2918874). An algorithm developed to predict the effect of missense changes on protein structure and function (PolyPhen-2) suggests that this variant is likely to be disruptive. Experimental studies have shown that this missense change does not substantially affect PLCG2 function (PMID: 37769878). In summary, the available evidence is currently insufficient to determine the role of this variant in disease. Therefore, it has been classified as a Variant of Uncertain Significance.

Literature cited by the submitters: PubMed 37769878.

NM_002661.5(PLCG2):c.2203G>A (p.Val735Met)

Gene: PLCG2 (phospholipase C gamma 2; plus strand). Cytogenetic location: 16q23.3.
Variant type: single nucleotide variant.
Coding change: c.2203G>A on transcript NM_002661.5 (MANE Select); coding-DNA position 2203, G replaced by A.
Protein change: p.Val735Met; replaces valine 735 with methionine.
Molecular consequence: missense variant.
Genome position (GRCh38, 1-based): chr16:81,919,632, G>A. VCF-style: chr16-81919632-G-A. GRCh37 (hg19) VCF-style: chr16-81953237-G-A.
Other names: c.2203G>A, p.Val735Met (NM_001425749.1, NM_001425750.1, NM_001425751.1); short protein forms V735M.
Identifiers: ClinVar variation 2918874 (VCV002918874.3), dbSNP rs963117904, ClinGen allele CA285164848.